The following is an entry in ClinVar:

NM_001375808.2(LPIN2):c.2427T>C (p.Phe809=)

Gene: LPIN2 (lipin 2; minus strand). Cytogenetic location: 18p11.31.
Variant type: single nucleotide variant.
Coding change: c.2427T>C on transcript NM_001375808.2 (MANE Select); coding-DNA position 2427, T replaced by C.
Protein change: p.Phe809=; no amino-acid change (phenylalanine 809 retained).
Molecular consequence: synonymous variant.
Genome position (GRCh38, 1-based): chr18:2,921,548, A>G on the plus strand (T>C on the coding strand, the complement: LPIN2 is on the minus strand). VCF-style: chr18-2921548-A-G. GRCh37 (hg19) VCF-style: chr18-2921546-A-G.
Other names: c.2427T>C, p.Phe809= (NM_001375809.1, NM_014646.2).
Identifiers: ClinVar variation 378929 (VCV000378929.3), dbSNP rs1057520415, ClinGen allele CA16608720.

ClinVar aggregate classification (germline): Likely benign. Review status: criteria provided, multiple submitters, no conflicts (2 of 4 stars). 2 submissions from 2 submitters: Likely benign (2). Last evaluated 2024-09-16.

Conditions:
Majeed syndrome (MJDS). Also called: CHRONIC RECURRENT MULTIFOCAL OSTEOMYELITIS 1, WITH CONGENITAL DYSERYTHROPOIETIC ANEMIA, WITH OR WITHOUT NEUTROPHILIC DERMATOSIS; LPIN2-Related Majeed Syndrome. Identifiers: Orphanet 77297, MedGen C1864997, MONDO:0012316, OMIM 609628.

Submissions (2):

Labcorp Genetics (formerly Invitae), Labcorp
Classification: Likely benign for Majeed syndrome. Last evaluated: 2024-09-16. Review status: criteria provided, single submitter. Criteria: Invitae Variant Classification Sherloc (09022015). Collection method: clinical testing. Allele origin: germline.

GeneDx
Classification: Likely benign. Last evaluated: 2016-06-07. Review status: criteria provided, single submitter. Criteria: GeneDx Variant Classification (06012015). Collection method: clinical testing. Allele origin: germline. Affected: yes.
Comment: This variant is considered likely benign or benign based on one or more of the following criteria: it is a conservative change, it occurs at a poorly conserved position in the protein, it is predicted to be benign by multiple in silico algorithms, and/or has population frequency not consistent with disease.